The following is an entry in ClinVar:

NM_198525.3(KIF7):c.2446C>T (p.Gln816Ter)

Gene: KIF7 (kinesin family member 7; minus strand). Cytogenetic location: 15q26.1.
Variant type: single nucleotide variant.
Coding change: c.2446C>T on transcript NM_198525.3 (MANE Select); coding-DNA position 2446, C replaced by T.
Protein change: p.Gln816Ter; replaces glutamine 816 with a stop codon.
Molecular consequence: nonsense.
Genome position (GRCh38, 1-based): chr15:89,633,832, G>A on the plus strand (C>T on the coding strand, the complement: KIF7 is on the minus strand). VCF-style: chr15-89633832-G-A. GRCh37 (hg19) VCF-style: chr15-90177063-G-A.
Other names: short protein forms Q816*.
Identifiers: ClinVar variation 1899253 (VCV001899253.6), dbSNP rs2505438655, ClinGen allele CA393759974.

ClinVar aggregate classification (germline): Pathogenic/Likely pathogenic. Review status: criteria provided, multiple submitters, no conflicts (2 of 4 stars). 2 submissions from 2 submitters: Pathogenic (1); Likely pathogenic (1). Last evaluated 2025-03-16.

Conditions:
Acrocallosal syndrome (ACLS). Also called: HALLUX DUPLICATION, POSTAXIAL POLYDACTYLY, AND ABSENCE OF CORPUS CALLOSUM; Schinzel syndrome 1; Absence of corpus callosum with unusual facial appearance, mental deficiency, duplication of the halluces and polydactyly. Identifiers: Orphanet 36, MedGen C0796147, MONDO:0008708, OMIM 200990.
KIF7-related disorder. Also called: KIF7-related condition.

gnomAD v4.1: 1 of 1,613,492 alleles (0.000062%); no homozygotes.

Submissions (2):

Labcorp Genetics (formerly Invitae), Labcorp
Classification: Pathogenic for Acrocallosal syndrome. Last evaluated: 2025-03-16. Review status: criteria provided, single submitter. Criteria: Invitae Variant Classification Sherloc (09022015). Collection method: clinical testing. Allele origin: germline.
Comment: This sequence change creates a premature translational stop signal (p.Gln816*) in the KIF7 gene. It is expected to result in an absent or disrupted protein product. Loss-of-function variants in KIF7 are known to be pathogenic (PMID: 19666503, 21552264, 21633164, 26648833). This variant is not present in population databases (gnomAD no frequency). This variant has not been reported in the literature in individuals affected with KIF7-related conditions. ClinVar contains an entry for this variant (Variation ID: 1899253). For these reasons, this variant has been classified as Pathogenic.

Blueprint Genetics
Classification: Likely pathogenic for KIF7-related disorders. Last evaluated: 2024-01-10. Review status: criteria provided, single submitter. Criteria: ACMG Guidelines, 2015. Collection method: clinical testing. Allele origin: germline. Affected: yes. Observed: 2 variant alleles.

Literature cited by the submitters: PubMed 19666503 (cited by Labcorp Genetics (formerly Invitae), Labcorp); PubMed 21552264 (cited by Labcorp Genetics (formerly Invitae), Labcorp); PubMed 21633164 (cited by Labcorp Genetics (formerly Invitae), Labcorp); PubMed 26648833 (cited by Labcorp Genetics (formerly Invitae), Labcorp).